The following is an entry in ClinVar:

ClinVar aggregate classification (germline): Likely benign. Review status: criteria provided, multiple submitters, no conflicts (2 of 4 stars). 4 submissions from 4 submitters: Likely benign (3). 1 of the submissions does not count toward it. Last evaluated 2026-05-12.

Conditions:
COL11A2-related disorder. Also called: COL11A2-related disorders; COL11A2-related condition.

Allele frequency attached by ClinVar (database versions not stated): gnomAD 0.00001; TOPMed 0.00002; gnomAD exomes 0.00005; ExAC 0.00007.
gnomAD v4.1: 71 of 1,589,986 alleles (0.0045%); highest among the groups gnomAD compares: Non-Finnish European, 0.0059%; no homozygotes.

Submissions (4):

Women's Health and Genetics/Laboratory Corporation of America, LabCorp
Classification: Likely benign. Last evaluated: 2026-05-12. Review status: criteria provided, single submitter. Criteria: LabCorp Variant Classification Summary - May 2015. Collection method: clinical testing. Allele origin: germline.

Labcorp Genetics (formerly Invitae), Labcorp
Classification: Likely benign. Last evaluated: 2025-05-27. Review status: criteria provided, single submitter. Criteria: Invitae Variant Classification Sherloc (09022015). Collection method: clinical testing. Allele origin: germline.

Blueprint Genetics
Classification: Likely benign. Last evaluated: 2023-10-17. Review status: criteria provided, single submitter. Criteria: ACMG Guidelines, 2015. Collection method: clinical testing. Allele origin: germline.

PreventionGenetics, part of Exact Sciences
Classification: Likely benign for COL11A2-related condition. Last evaluated: 2022-12-27. Review status: no assertion criteria provided. Collection method: clinical testing. Allele origin: germline. Not counted in ClinVar's aggregate classification.
Comment: This variant is classified as likely benign based on ACMG/AMP sequence variant interpretation guidelines (Richards et al. 2015 PMID: 25741868, with internal and published modifications).

NM_080680.3(COL11A2):c.3906+7G>A

Gene: COL11A2 (collagen type XI alpha 2 chain; minus strand). Cytogenetic location: 6p21.32.
Variant type: single nucleotide variant.
Coding change: c.3906+7G>A on transcript NM_080680.3 (MANE Select); 7 bases into the intron after coding-DNA position 3906, G replaced by A.
Molecular consequence: intron variant.
Genome position (GRCh38, 1-based): chr6:33,168,699, C>T on the plus strand (G>A on the coding strand, the complement: COL11A2 is on the minus strand). VCF-style: chr6-33168699-C-T. GRCh37 (hg19) VCF-style: chr6-33136476-C-T.
Other names: c.3906+7G>A (NM_080680.2); c.3585+7G>A (NM_080679.3); c.3648+7G>A (NM_080681.3).
Identifiers: ClinVar variation 2197391 (VCV002197391.7), dbSNP rs766842201, ClinGen allele CA3750322.